The following is an entry in ClinVar:

NM_001297.5(CNGB1):c.1881C>T (p.Cys627=)

Gene: CNGB1 (cyclic nucleotide gated channel subunit beta 1; minus strand). Cytogenetic location: 16q21.
Variant type: single nucleotide variant.
Coding change: c.1881C>T on transcript NM_001297.5 (MANE Select); coding-DNA position 1881, C replaced by T.
Protein change: p.Cys627=; no amino-acid change (cysteine 627 retained).
Molecular consequence: synonymous variant.
Genome position (GRCh38, 1-based): chr16:57,919,175, G>A on the plus strand (C>T on the coding strand, the complement: CNGB1 is on the minus strand). VCF-style: chr16-57919175-G-A. GRCh37 (hg19) VCF-style: chr16-57953079-G-A.
Other names: c.1881C>T (NM_001297.4); c.1863C>T, p.Cys621= (NM_001286130.2).
Identifiers: ClinVar variation 1899405 (VCV001899405.7), dbSNP rs369525244, ClinGen allele CA8083250.

ClinVar aggregate classification (germline): Likely benign. Review status: criteria provided, multiple submitters, no conflicts (2 of 4 stars). 3 submissions from 3 submitters: Likely benign (3). Last evaluated 2025-12-15.

Conditions:
CNGB1-related disorder. Also called: CNGB1-related condition.

Allele frequency attached by ClinVar (database versions not stated): ExAC 0.00003.
gnomAD v4.1: 27 of 1,614,050 alleles (0.0017%); highest among the groups gnomAD compares: African/African-American, 0.0067%; no homozygotes.

Submissions (3):

Labcorp Genetics (formerly Invitae), Labcorp
Classification: Likely benign. Last evaluated: 2025-12-15. Review status: criteria provided, single submitter. Criteria: Invitae Variant Classification Sherloc (09022015). Collection method: clinical testing. Allele origin: germline.

PreventionGenetics, part of Exact Sciences
Classification: Likely benign for CNGB1-related condition. Last evaluated: 2025-02-03. Review status: criteria provided, single submitter. Criteria: ACMG Guidelines, 2015. Collection method: clinical testing. Allele origin: germline.
Comment: This variant is classified as likely benign based on ACMG/AMP sequence variant interpretation guidelines (Richards et al. 2015 PMID: 25741868, with internal and published modifications).

Blueprint Genetics
Classification: Likely benign. Last evaluated: 2024-10-04. Review status: criteria provided, single submitter. Criteria: ACMG Guidelines, 2015. Collection method: clinical testing. Allele origin: germline.